The following is an entry in ClinVar:

NM_004517.4(ILK):c.729-7C>A

Genes: TAF10 (TATA-box binding protein associated factor 10; minus strand), ILK (integrin linked kinase; plus strand). Cytogenetic location: 11p15.4.
Variant type: single nucleotide variant.
Coding change: c.729-7C>A on transcript NM_004517.4 (MANE Select); 7 bases into the intron before coding-DNA position 729, C replaced by A.
Molecular consequence: intron variant. On other transcripts: 3 prime UTR variant (1).
Genome position (GRCh38, 1-based): chr11:6,609,505, C>A. VCF-style: chr11-6609505-C-A. GRCh37 (hg19) VCF-style: chr11-6630736-C-A.
Other names: c.*1417G>T (NM_006284.4); c.729-7C>A (NM_001014795.3, NM_001014794.3); c.546-7C>A (NM_001278441.2); c.327-7C>A (NM_001278442.2).
Identifiers: ClinVar variation 385176 (VCV000385176.15), dbSNP rs375371977, ClinGen allele CA5858177.

ClinVar aggregate classification (germline): Likely benign. Review status: criteria provided, multiple submitters, no conflicts (2 of 4 stars). 3 submissions from 3 submitters: Likely benign (2). 1 of the submissions does not count toward it. Last evaluated 2025-12-06.

Conditions:
Primary familial hypertrophic cardiomyopathy (HCM). Identifiers: Orphanet 99739, MedGen C0949658, MeSH D024741, MONDO:0024573. Inheritance: Various modes of inheritance.
ILK-related disorder. Also called: ILK-related condition.

Allele frequency attached by ClinVar (database versions not stated): ExAC 0.00010; gnomAD exomes 0.00012 and 0.00013; TOPMed 0.00012; gnomAD 0.00014; ESP Exome Variant Server 0.00015.
gnomAD v4.1: 220 of 1,614,022 alleles (0.014%); highest among the groups gnomAD compares: Non-Finnish European, 0.013%; no homozygotes.

Submissions (3):

Labcorp Genetics (formerly Invitae), Labcorp
Classification: Likely benign for Primary familial hypertrophic cardiomyopathy. Last evaluated: 2025-12-06. Review status: criteria provided, single submitter. Criteria: Invitae Variant Classification Sherloc (09022015). Collection method: clinical testing. Allele origin: germline.

GeneDx
Classification: Likely benign. Last evaluated: 2019-06-07. Review status: criteria provided, single submitter. Criteria: GeneDx Variant Classification Process June 2021. Collection method: clinical testing. Allele origin: germline. Affected: yes.

PreventionGenetics, part of Exact Sciences
Classification: Likely benign for ILK-related condition. Last evaluated: 2023-05-02. Review status: no assertion criteria provided. Collection method: clinical testing. Allele origin: germline. Not counted in ClinVar's aggregate classification.
Comment: This variant is classified as likely benign based on ACMG/AMP sequence variant interpretation guidelines (Richards et al. 2015 PMID: 25741868, with internal and published modifications).